The following is an entry in ClinVar:

NM_001287.6(CLCN7):c.213+1G>A

Gene: CLCN7 (chloride voltage-gated channel 7; minus strand). Cytogenetic location: 16p13.3.
Variant type: single nucleotide variant.
Coding change: c.213+1G>A on transcript NM_001287.6 (MANE Select); the canonical splice donor site of the intron after coding-DNA position 213, G replaced by A.
Molecular consequence: splice donor variant. On other transcripts: intron variant (1).
Genome position (GRCh38, 1-based): chr16:1,465,266, C>T on the plus strand (G>A on the coding strand, the complement: CLCN7 is on the minus strand). VCF-style: chr16-1465266-C-T. GRCh37 (hg19) VCF-style: chr16-1515267-C-T.
Other names: c.142-3592G>A (NM_001114331.3).
Identifiers: ClinVar variation 1972388 (VCV001972388.5), dbSNP rs2505854274, ClinGen allele CA394193515.

ClinVar aggregate classification (germline): Likely pathogenic (1 of 4 stars; one submission).

Allele frequency attached by ClinVar (database versions not stated): gnomAD exomes below 0.00001.
gnomAD v4.1: 1 of 1,613,516 alleles (0.000062%); highest among the groups gnomAD compares: Non-Finnish European, 0.000085%; no homozygotes.

Submission:

Labcorp Genetics (formerly Invitae), Labcorp
Classification: Likely pathogenic. Last evaluated: 2022-08-23. Review status: criteria provided, single submitter. Criteria: Invitae Variant Classification Sherloc (09022015). Collection method: clinical testing. Allele origin: germline.
Comment: This sequence change affects a donor splice site in intron 2 of the CLCN7 gene. It is expected to disrupt RNA splicing. Variants that disrupt the donor or acceptor splice site typically lead to a loss of protein function (PMID: 16199547), and loss-of-function variants in CLCN7 are known to be pathogenic (PMID: 14584882, 19953639). This variant is not present in population databases (gnomAD no frequency). This variant has not been reported in the literature in individuals affected with CLCN7-related conditions. Algorithms developed to predict the effect of sequence changes on RNA splicing suggest that this variant may disrupt the consensus splice site. In summary, the currently available evidence indicates that the variant is pathogenic, but additional data are needed to prove that conclusively. Therefore, this variant has been classified as Likely Pathogenic.

Literature cited by the submitters: PubMed 16199547; PubMed 14584882; PubMed 19953639.